The following is an entry in ClinVar:

ClinVar aggregate classification (germline): Uncertain significance. Review status: criteria provided, multiple submitters, no conflicts (2 of 4 stars). 2 submissions from 2 submitters: Uncertain significance (2). Last evaluated 2026-01-08.

Conditions:
Early-infantile DEE. Also called: Early infantile epileptic encephalopathy; Ohtahara syndrome; Early infantile epileptic encephalopathy with suppression bursts. Identifiers: Orphanet 1934, MedGen C0393706, MONDO:0800491.

Submissions (2):

GeneDx
Classification: Uncertain significance. Last evaluated: 2026-01-08. Review status: criteria provided, single submitter. Criteria: GeneDx Variant Classification Process June 2021. Collection method: clinical testing. Allele origin: germline.
Comment: Not observed at significant frequency in large population cohorts (gnomAD); In silico analysis supports that this missense variant has a deleterious effect on protein structure/function; This substitution is predicted to be within the cytoplasmic loop between the second and third homologous domains; Has not been previously published as pathogenic or benign to our knowledge

Labcorp Genetics (formerly Invitae), Labcorp
Classification: Uncertain significance for Early-infantile DEE. Last evaluated: 2023-04-19. Review status: criteria provided, single submitter. Criteria: Invitae Variant Classification Sherloc (09022015). Collection method: clinical testing. Allele origin: germline.
Comment: Advanced modeling of protein sequence and biophysical properties (such as structural, functional, and spatial information, amino acid conservation, physicochemical variation, residue mobility, and thermodynamic stability) performed at Invitae indicates that this missense variant is not expected to disrupt SCN1A protein function. ClinVar contains an entry for this variant (Variation ID: 2417246). This variant has not been reported in the literature in individuals affected with SCN1A-related conditions. This variant is not present in population databases (gnomAD no frequency). This sequence change replaces aspartic acid, which is acidic and polar, with glycine, which is neutral and non-polar, at codon 1078 of the SCN1A protein (p.Asp1078Gly). In summary, the available evidence is currently insufficient to determine the role of this variant in disease. Therefore, it has been classified as a Variant of Uncertain Significance.

NM_001165963.4(SCN1A):c.3233A>G (p.Asp1078Gly)

Genes: SCN1A (sodium voltage-gated channel alpha subunit 1; minus strand), LOC102724058 (uncharacterized LOC102724058; plus strand). Cytogenetic location: 2q24.3.
Variant type: single nucleotide variant.
Coding change: c.3233A>G on transcript NM_001165963.4 (MANE Select); coding-DNA position 3233, A replaced by G.
Protein change: p.Asp1078Gly; replaces aspartic acid 1078 with glycine.
Molecular consequence: missense variant. On other transcripts: non-coding transcript variant (2).
Genome position (GRCh38, 1-based): chr2:166,036,244, T>C on the plus strand (A>G on the coding strand, the complement: SCN1A is on the minus strand). VCF-style: chr2-166036244-T-C. GRCh37 (hg19) VCF-style: chr2-166892754-T-C.
Other names: c.3233A>G (NM_001165963.1); c.3149A>G, p.Asp1050Gly (NM_001165964.3, NM_001353957.2, NM_001353958.2); c.3233A>G, p.Asp1078Gly (NM_001202435.3, NM_001353948.2); c.3200A>G, p.Asp1067Gly (NM_001353949.2, NM_001353950.2, NM_001353951.2 and 2 more transcripts); c.3197A>G, p.Asp1066Gly (NM_001353954.2, NM_001353955.2); c.3146A>G, p.Asp1049Gly (NM_001353960.2); c.791A>G, p.Asp264Gly (NM_001353961.2); short protein forms D1049G, D1050G, D1066G, D1067G, D1078G, D264G.
Identifiers: ClinVar variation 2417246 (VCV002417246.8), dbSNP rs758221668, ClinGen allele CA349059511.